The following is an entry in ClinVar:

ClinVar aggregate classification (germline): Likely benign. Review status: criteria provided, multiple submitters, no conflicts (2 of 4 stars). 4 submissions from 4 submitters: Likely benign (3). 1 of the submissions does not count toward it. Last evaluated 2025-12-26.

Conditions:
TCF3-related disorder. Also called: TCF3-related condition.

Allele frequency attached by ClinVar (database versions not stated): gnomAD 0.00003; TOPMed 0.00004; 1000 Genomes Project 30x 0.00047; 1000 Genomes Project 0.00060.
gnomAD v4.1: 74 of 1,611,806 alleles (0.0046%); highest among the groups gnomAD compares: Admixed American, 0.022%; no homozygotes.

Submissions (4):

Labcorp Genetics (formerly Invitae), Labcorp
Classification: Likely benign. Last evaluated: 2025-12-26. Review status: criteria provided, single submitter. Criteria: Invitae Variant Classification Sherloc (09022015). Collection method: clinical testing. Allele origin: germline.

Blueprint Genetics
Classification: Likely benign. Last evaluated: 2023-06-15. Review status: criteria provided, single submitter. Criteria: ACMG Guidelines, 2015. Collection method: clinical testing. Allele origin: germline.

Breakthrough Genomics
Classification: Likely benign. Review status: criteria provided, single submitter. Criteria: ACMG Guidelines, 2015. Collection method: not provided. Allele origin: germline. Inheritance: Autosomal recessive inheritance. Affected: yes.

PreventionGenetics, part of Exact Sciences
Classification: Likely benign for TCF3-related condition. Last evaluated: 2019-10-28. Review status: no assertion criteria provided. Collection method: clinical testing. Allele origin: germline. Not counted in ClinVar's aggregate classification.
Comment: This variant is classified as likely benign based on ACMG/AMP sequence variant interpretation guidelines (Richards et al. 2015 PMID: 25741868, with internal and published modifications).

NM_003200.5(TCF3):c.306C>T (p.Ser102=)

Gene: TCF3 (transcription factor 3; minus strand). Cytogenetic location: 19p13.3.
Variant type: single nucleotide variant.
Coding change: c.306C>T on transcript NM_003200.5 (MANE Select); coding-DNA position 306, C replaced by T.
Protein change: p.Ser102=; no amino-acid change (serine 102 retained).
Molecular consequence: synonymous variant.
Genome position (GRCh38, 1-based): chr19:1,627,419, G>A on the plus strand (C>T on the coding strand, the complement: TCF3 is on the minus strand). VCF-style: chr19-1627419-G-A. GRCh37 (hg19) VCF-style: chr19-1627418-G-A.
Other names: c.306C>T, p.Ser102= (NM_001136139.4, NM_001351778.2, NM_001351779.2).
Identifiers: ClinVar variation 739386 (VCV000739386.12), dbSNP rs200944840, ClinGen allele CA9050462.